The following is an entry in ClinVar:

NM_006924.5(SRSF1):c.563C>T (p.Ala188Val)

Genes: SRSF1 (serine and arginine rich splicing factor 1; minus strand), LOC126862603 (BRD4-independent group 4 enhancer GRCh37_chr17:56082218-56083417; plus strand). Cytogenetic location: 17q22.
Variant type: single nucleotide variant.
Coding change: c.563C>T on transcript NM_006924.5 (MANE Select); coding-DNA position 563, C replaced by T.
Protein change: p.Ala188Val; replaces alanine 188 with valine.
Molecular consequence: missense variant. On other transcripts: 3 prime UTR variant (1), non-coding transcript variant (2).
Genome position (GRCh38, 1-based): chr17:58,005,590, G>A on the plus strand (C>T on the coding strand, the complement: SRSF1 is on the minus strand). VCF-style: chr17-58005590-G-A. GRCh37 (hg19) VCF-style: chr17-56082951-G-A.
Other names: c.*157C>T (NM_001078166.2); short protein forms A188V.
Identifiers: ClinVar variation 5019204 (VCV005019204.2).

ClinVar aggregate classification (germline): Uncertain significance (1 of 4 stars; one submission).

Conditions:
Neurodevelopmental disorder with dysmorphic facies and behavioral abnormalities (NEDFBA). Identifiers: MedGen C5882684, MONDO:0957583, OMIM 620489.

Submission:

Juno Genomics, Hangzhou Juno Genomics, Inc
Classification: Uncertain significance for Neurodevelopmental disorder with dysmorphic facies and behavioral abnormalities. Review status: criteria provided, single submitter. Criteria: ACMG Guidelines, 2015. Collection method: clinical testing. Allele origin: germline.
Comment: Absent from controls (or at extremely low frequency if recessive) in Genome Aggregation Database.;Missense variant in a gene that has a low rate of benign missense variation.